The following is an entry in ClinVar:

NC_000012.11:g.(?_21620458)_(21629936_?)dup

Genes: PYROXD1 (pyridine nucleotide-disulphide oxidoreductase domain 1; plus strand), RECQL (RecQ like helicase; minus strand). Cytogenetic location: 12p12.1.
Variant type: Duplication.
Identifiers: ClinVar variation 1035817 (VCV001035817.6).

ClinVar aggregate classification (germline): Uncertain significance (1 of 4 stars; one submission).

Submission:

Labcorp Genetics (formerly Invitae), Labcorp
Classification: Uncertain significance. Last evaluated: 2021-12-22. Review status: criteria provided, single submitter. Criteria: Invitae Variant Classification Sherloc (09022015). Collection method: clinical testing. Allele origin: germline.
Comment: In summary, the available evidence is currently insufficient to determine the role of this variant in disease. Therefore, it has been classified as a Variant of Uncertain Significance. Experimental studies and prediction algorithms are not available or were not evaluated, and the functional significance of this variant is currently unknown. This variant has not been reported in the literature in individuals affected with RECQL-related conditions. This variant results in a copy number gain of the genomic region encompassing exon(s) 8-15 of the RECQL gene. This region includes the termination codon of the gene. This copy number gain extends beyond the assayed region for this gene and therefore may encompass additional genes. As the precise location of this event is unknown, it may be in tandem or it may be located elsewhere in the genome.